The following is an entry in ClinVar:

ClinVar aggregate classification (germline): Benign/Likely benign. Review status: criteria provided, multiple submitters, no conflicts (2 of 4 stars). 6 submissions from 6 submitters: Benign (5); Likely benign (1). Last evaluated 2026-02-03.

Allele frequency attached by ClinVar (database versions not stated): gnomAD exomes 0.07556; ExAC 0.07749; ESP Exome Variant Server 0.10057; gnomAD 0.10288 and 0.10317; TOPMed 0.11003; 1000 Genomes Project 0.13658; 1000 Genomes Project 30x 0.14194.
gnomAD v4.1: 100,133 of 1,614,104 alleles (6.2%); highest among the groups gnomAD compares: African/African-American, 22%; 4,777 homozygotes.

Submissions (6):

Labcorp Genetics (formerly Invitae), Labcorp
Classification: Benign. Last evaluated: 2026-02-03. Review status: criteria provided, single submitter. Criteria: Invitae Variant Classification Sherloc (09022015). Collection method: clinical testing. Allele origin: germline.

Women's Health and Genetics/Laboratory Corporation of America, LabCorp
Classification: Benign. Last evaluated: 2026-01-21. Review status: criteria provided, single submitter. Criteria: LabCorp Variant Classification Summary - May 2015. Collection method: clinical testing. Allele origin: germline.

Blueprint Genetics
Classification: Likely benign. Last evaluated: 2024-11-26. Review status: criteria provided, single submitter. Criteria: ACMG Guidelines, 2015. Collection method: clinical testing. Allele origin: germline.

Mayo Clinic Laboratories, Mayo Clinic
Classification: Benign. Last evaluated: 2022-09-06. Review status: criteria provided, single submitter. Criteria: ACMG Guidelines, 2015. Collection method: clinical testing. Allele origin: germline. Observed: 13 variant alleles.

Laboratory for Molecular Medicine, Mass General Brigham Personalized Medicine
Classification: Benign. Last evaluated: 2016-03-28. Review status: criteria provided, single submitter. Criteria: LMM Criteria. Collection method: clinical testing. Allele origin: germline.
Comment: Variant identified in a genome or exome case(s) and assessed due to predicted null impact of the variant or pathogenic assertions in the literature or databases. Disclaimer: This variant has not undergone full assessment. The following are preliminary notes: Frequency

Breakthrough Genomics
Classification: Benign. Review status: criteria provided, single submitter. Criteria: ACMG Guidelines, 2015. Collection method: not provided. Allele origin: germline. Inheritance: Autosomal recessive inheritance. Affected: yes.

NM_000562.3(C8A):c.1503T>C (p.Pro501=)

Gene: C8A (complement C8 alpha chain; plus strand). Cytogenetic location: 1p32.2.
Variant type: single nucleotide variant.
Coding change: c.1503T>C on transcript NM_000562.3 (MANE Select); coding-DNA position 1503, T replaced by C.
Protein change: p.Pro501=; no amino-acid change (proline 501 retained).
Molecular consequence: synonymous variant.
Genome position (GRCh38, 1-based): chr1:56,912,525, T>C. VCF-style: chr1-56912525-T-C. GRCh37 (hg19) VCF-style: chr1-57378198-T-C.
Other names: p.Pro501=.
Identifiers: ClinVar variation 402463 (VCV000402463.17), dbSNP rs1754533, ClinGen allele CA875413.
Genomic context (GRCh38, chr1:56,912,525, plus strand): 5'-GAACCTGCGCCGCGCCTTGGACCAGTATCTGATGGAATTCAATGCCTGCCGATGTGGGCC[T>C]TGCTTCAACAATGGGGTGCCCATCCTCGAGGGCACCAGCTGCAGGTGCCAGTGCCGCCTG-3'
Protein context (NP_000553.1, residues 491-511): LMEFNACRCG[Pro501=]CFNNGVPILE